The following is an entry in ClinVar:

NM_003098.3(SNTA1):c.19G>A (p.Ala7Thr)

Genes: SNTA1 (syntrophin alpha 1; minus strand), LOC130065680 (ATAC-STARR-seq lymphoblastoid silent region 12812; plus strand). Cytogenetic location: 20q11.21.
Variant type: single nucleotide variant.
Coding change: c.19G>A on transcript NM_003098.3 (MANE Select); coding-DNA position 19, G replaced by A.
Protein change: p.Ala7Thr; replaces alanine 7 with threonine.
Molecular consequence: missense variant.
Genome position (GRCh38, 1-based): chr20:33,443,602, C>T on the plus strand (G>A on the coding strand, the complement: SNTA1 is on the minus strand). VCF-style: chr20-33443602-C-T. GRCh37 (hg19) VCF-style: chr20-32031408-C-T.
Other names: c.19G>A, p.Ala7Thr (NM_001424413.1, NM_001424414.1); short protein forms A7T.
Identifiers: ClinVar variation 3446784 (VCV003446784.1).

ClinVar aggregate classification (germline): Uncertain significance (1 of 4 stars; one submission).

Conditions:
Cardiovascular phenotype. Identifiers: MedGen CN230736.

Submission:

Ambry Genetics
Classification: Uncertain significance for Cardiovascular phenotype. Last evaluated: 2024-11-10. Review status: criteria provided, single submitter. Criteria: Ambry Variant Classification Scheme 2023. Collection method: clinical testing. Allele origin: germline.
Comment: The p.A7T variant (also known as c.19G>A), located in coding exon 1 of the SNTA1 gene, results from a G to A substitution at nucleotide position 19. The alanine at codon 7 is replaced by threonine, an amino acid with similar properties. This amino acid position is conserved. In addition, this alteration is predicted to be tolerated by in silico analysis. Based on the available evidence, the clinical significance of this variant remains unclear.